The following is an entry in ClinVar:

ClinVar aggregate classification (germline): Conflicting classifications of pathogenicity. Review status: criteria provided, conflicting classifications (1 of 4 stars). 3 submissions from 3 submitters: Uncertain significance (2); Likely benign (1). Last evaluated 2025-09-23.

Conditions:
Primary ciliary dyskinesia. Also called: Ciliary dyskinesia. Identifiers: Orphanet 244, MedGen C0008780, MONDO:0016575, HP:0012265.
DNAH5-related disorder. Also called: DNAH5-related condition.
Primary ciliary dyskinesia 3. Identifiers: Orphanet 244, MedGen C1837618, MONDO:0012085, OMIM 608644.

Allele frequency attached by ClinVar (database versions not stated): ExAC 0.00003.
gnomAD v4.1: 38 of 1,613,308 alleles (0.0024%); highest among the groups gnomAD compares: African/African-American, 0.0054%; no homozygotes.

Submissions (3):

PreventionGenetics, part of Exact Sciences
Classification: Uncertain significance for DNAH5-related condition. Last evaluated: 2025-09-23. Review status: criteria provided, single submitter. Criteria: ACMG Guidelines, 2015. Collection method: clinical testing. Allele origin: germline.
Comment: The DNAH5 c.7018C>A variant is predicted to result in the amino acid substitution p.Pro2340Thr. To our knowledge, this variant has not been reported in the literature. This variant is reported in 0.012% of alleles in individuals of African descent in gnomAD. At this time, the clinical significance of this variant is uncertain due to the absence of conclusive functional and genetic evidence.

Labcorp Genetics (formerly Invitae), Labcorp
Classification: Likely benign for Primary ciliary dyskinesia. Last evaluated: 2025-08-11. Review status: criteria provided, single submitter. Criteria: Invitae Variant Classification Sherloc (09022015). Collection method: clinical testing. Allele origin: germline.

Department of Pathology and Laboratory Medicine, Sinai Health System
Classification: Uncertain significance for primary ciliary dyskinesia 3. Last evaluated: 2020-04-29. Review status: criteria provided, single submitter. Criteria: ACMG Guidelines, 2015. Collection method: research. Allele origin: germline.

NM_001369.3(DNAH5):c.7018C>A (p.Pro2340Thr)

Gene: DNAH5 (dynein axonemal heavy chain 5; minus strand). Cytogenetic location: 5p15.2.
Variant type: single nucleotide variant.
Coding change: c.7018C>A on transcript NM_001369.3 (MANE Select); coding-DNA position 7018, C replaced by A.
Protein change: p.Pro2340Thr; replaces proline 2340 with threonine.
Molecular consequence: missense variant.
Genome position (GRCh38, 1-based): chr5:13,814,817, G>T on the plus strand (C>A on the coding strand, the complement: DNAH5 is on the minus strand). VCF-style: chr5-13814817-G-T. GRCh37 (hg19) VCF-style: chr5-13814926-G-T.
Other names: c.7018C>A (NM_001369.2); short protein forms P2340T.
Identifiers: ClinVar variation 2188729 (VCV002188729.6), dbSNP rs202082284, ClinGen allele CA3203194.
Genomic context (GRCh38, chr5:13,814,817, plus strand): 5'-TTAGAGTTTTGTTATCATCCAAAACAGAATTCAGATTTTCAATCCAGATGGCATCTACTG[G>T]ACCATCAAGAATTATCCAGATATGTTCCCCTAGAATACCCCACCAAAGGGAAAAAAAAAA-3'
Protein context (NP_001360.1, residues 2330-2350): GEHIWIILDG[Pro2340Thr]VDAIWIENLN